The following is an entry in ClinVar:

NM_004341.5(CAD):c.1588G>A (p.Ala530Thr)

Gene: CAD (carbamoyl-phosphate synthetase 2, aspartate transcarbamylase, and dihydroorotase; plus strand). Cytogenetic location: 2p23.3.
Variant type: single nucleotide variant.
Coding change: c.1588G>A on transcript NM_004341.5 (MANE Select); coding-DNA position 1588, G replaced by A.
Protein change: p.Ala530Thr; replaces alanine 530 with threonine.
Molecular consequence: missense variant.
Genome position (GRCh38, 1-based): chr2:27,225,211, G>A. VCF-style: chr2-27225211-G-A. GRCh37 (hg19) VCF-style: chr2-27448079-G-A.
Other names: c.1588G>A, p.Ala530Thr (NM_001306079.2); short protein forms A530T.
Identifiers: ClinVar variation 4879415 (VCV004879415.1).

ClinVar aggregate classification (germline): Uncertain significance (1 of 4 stars; one submission).

Conditions:
Developmental and epileptic encephalopathy, 50 (DEE50). Also called: Epileptic encephalopathy, early infantile, 50. Identifiers: Orphanet 448010, MedGen C4225320, MONDO:0014647, OMIM 616457.

Submission:

Institute of Human Genetics, University of Leipzig Medical Center
Classification: Uncertain significance for Developmental and epileptic encephalopathy, 50. Last evaluated: 2026-06-23. Review status: criteria provided, single submitter. Criteria: ACMG Guidelines, 2015. Collection method: clinical testing. Allele origin: unknown. Inheritance: Autosomal recessive inheritance. Affected: yes.
Comment: Criteria applied: PM2,PP2,PP3; Identified as compund heterozygous with NM_004341.5:c.5429G>A